The following is an entry in ClinVar:

NM_001029896.2(WDR45):c.944A>C (p.Asn315Thr)

Gene: WDR45 (WD repeat domain 45; minus strand). Cytogenetic location: Xp11.23.
Variant type: single nucleotide variant.
Coding change: c.944A>C on transcript NM_001029896.2 (MANE Select); coding-DNA position 944, A replaced by C.
Protein change: p.Asn315Thr; replaces asparagine 315 with threonine.
Molecular consequence: missense variant.
Genome position (GRCh38, 1-based): chrX:49,075,165, T>G on the plus strand (A>C on the coding strand, the complement: WDR45 is on the minus strand). VCF-style: chrX-49075165-T-G. GRCh37 (hg19) VCF-style: chrX-48932824-T-G.
Other names: c.947A>C, p.Asn316Thr (NM_007075.4); short protein forms N316T, N315T.
Identifiers: ClinVar variation 379252 (VCV000379252.37), dbSNP rs782562675, ClinGen allele CA10408448.

ClinVar aggregate classification (germline): Benign/Likely benign. Review status: criteria provided, multiple submitters, no conflicts (2 of 4 stars). 4 submissions from 4 submitters: Benign (3); Likely benign (1). Last evaluated 2025-10-22.

Conditions:
Inborn genetic diseases. Identifiers: MedGen C0950123, MeSH D030342.
Neurodegeneration with brain iron accumulation 5 (NBIA5). Also called: STATIC ENCEPHALOPATHY OF CHILDHOOD WITH NEURODEGENERATION IN ADULTHOOD; Beta-propeller protein-associated neurodegeneration. Identifiers: Orphanet 329284, MedGen C3550973, MONDO:0010476, OMIM 300894.

Allele frequency attached by ClinVar (database versions not stated): gnomAD 0.00001 and 0.00003; TOPMed 0.00002; ExAC 0.00018; gnomAD exomes 0.00018; 1000 Genomes Project 30x 0.00021; 1000 Genomes Project 0.00026.
gnomAD v4.1: 102 of 1,211,129 alleles (0.0084%); highest among the groups gnomAD compares: South Asian, 0.14%; 1 homozygote.

Submissions (4):

Labcorp Genetics (formerly Invitae), Labcorp
Classification: Benign for Neurodegeneration with brain iron accumulation 5. Last evaluated: 2025-10-22. Review status: criteria provided, single submitter. Criteria: Invitae Variant Classification Sherloc (09022015). Collection method: clinical testing. Allele origin: germline.

CeGaT Center for Human Genetics Tuebingen
Classification: Benign. Last evaluated: 2022-07-01. Review status: criteria provided, single submitter. Criteria: CeGaT Center For Human Genetics Tuebingen Variant Classification Criteria Version 2. Collection method: clinical testing. Allele origin: germline. Affected: yes. Observed: 1 variant allele.
Comment: WDR45: BS1, BS2

GeneDx
Classification: Likely benign. Last evaluated: 2017-11-27. Review status: criteria provided, single submitter. Criteria: GeneDx Variant Classification (06012015). Collection method: clinical testing. Allele origin: germline. Affected: yes.
Comment: This variant is considered likely benign or benign based on one or more of the following criteria: it is a conservative change, it occurs at a poorly conserved position in the protein, it is predicted to be benign by multiple in silico algorithms, and/or has population frequency not consistent with disease.

Ambry Genetics
Classification: Benign for Inborn genetic diseases. Last evaluated: 2017-05-18. Review status: criteria provided, single submitter. Criteria: Ambry Variant Classification Scheme 2023. Collection method: clinical testing. Allele origin: germline.